The following is an entry in ClinVar:

ClinVar aggregate classification (germline): Pathogenic. Review status: reviewed by expert panel (3 of 4 stars). 5 submissions from 5 submitters: Pathogenic (1). 4 of the submissions do not count toward it. Last evaluated 2016-09-08.

Conditions:
Hereditary cancer-predisposing syndrome. Also called: Hereditary Cancer Syndrome; Neoplastic Syndromes, Hereditary; Hereditary neoplastic syndrome; Tumor predisposition. Identifiers: Orphanet 140162, MedGen C0027672, MeSH D009386, MONDO:0015356.
Hereditary breast ovarian cancer syndrome. Also called: Hereditary breast and ovarian cancer syndrome (HBOC); Breast and ovarian cancer; Hereditary breast and ovarian cancer syndrome; Hereditary breast and ovarian cancer; BRCA1- and BRCA2-Associated Hereditary Breast and Ovarian Cancer; Hereditary breast and/or ovarian cancer syndrome. Identifiers: Orphanet 145, MedGen C0677776, MeSH D061325, MONDO:0003582. Disease mechanism: loss of function.
Breast-ovarian cancer, familial, susceptibility to, 1 (BROVCA1). Also called: BRCA1 Hereditary Breast and Ovarian Cancer; OVARIAN CANCER, SUSCEPTIBILITY TO. Identifiers: Orphanet 145, MedGen C2676676, MONDO:0011450, OMIM 604370. Disease mechanism: loss of function.

Submissions (5):

Evidence-based Network for the Interpretation of Germline Mutant Alleles (ENIGMA)
Classification: Pathogenic for Breast-ovarian cancer, familial, susceptibility to, 1. Last evaluated: 2016-09-08. Review status: reviewed by expert panel. Criteria: ENIGMA BRCA1/2 Classification Criteria (2015). Collection method: curation. Allele origin: germline.
Comment: Variant allele predicted to encode a truncated non-functional protein.

Labcorp Genetics (formerly Invitae), Labcorp
Classification: Pathogenic for Hereditary breast ovarian cancer syndrome. Last evaluated: 2024-02-03. Review status: criteria provided, single submitter. Criteria: Invitae Variant Classification Sherloc (09022015). Collection method: clinical testing. Allele origin: germline. Not counted in ClinVar's aggregate classification.
Comment: This sequence change creates a premature translational stop signal (p.Gln1604Asnfs*2) in the BRCA1 gene. It is expected to result in an absent or disrupted protein product. Loss-of-function variants in BRCA1 are known to be pathogenic (PMID: 20104584). This variant is not present in population databases (gnomAD no frequency). This premature translational stop signal has been observed in individual(s) with a personal or family history of breast and/or ovarian cancer (PMID: 29446198). ClinVar contains an entry for this variant (Variation ID: 254457). For these reasons, this variant has been classified as Pathogenic.

Color Diagnostics, LLC DBA Color Health
Classification: Pathogenic for Hereditary cancer-predisposing syndrome. Last evaluated: 2020-07-20. Review status: criteria provided, single submitter. Criteria: ACMG Guidelines, 2015. Collection method: clinical testing. Allele origin: germline. Not counted in ClinVar's aggregate classification.
Comment: This variant deletes 1 nucleotide in exon 15 (exon 16 by legacy nomenclature) of the BRCA1 gene, creating a frameshift and premature translation stop signal. This variant is expected to result in an absent or non-functional protein product. To our knowledge, functional studies have not been reported for this variant. This variant has been reported in individuals affected with breast/ovarian cancer and unspecified hereditary cancer (PMID: 24307375, 31409081). This variant has not been identified in the general population by the Genome Aggregation Database (gnomAD). Loss of BRCA1 function is a known mechanism of disease. Based on the available evidence, this variant is classified as Pathogenic.

Consortium of Investigators of Modifiers of BRCA1/2 (CIMBA), c/o University of Cambridge
Classification: Pathogenic for Breast-ovarian cancer, familial, susceptibility to, 1. Last evaluated: 2015-10-02. Review status: criteria provided, single submitter. Criteria: CIMBA Mutation Classification guidelines May 2016. Collection method: clinical testing. Allele origin: germline. Not counted in ClinVar's aggregate classification.

Research Molecular Genetics Laboratory, Women's College Hospital, University of Toronto
Classification: Pathogenic for Hereditary breast ovarian cancer syndrome. Last evaluated: 2014-01-31. Review status: no assertion criteria provided. Collection method: research. Allele origin: germline. Affected: yes. Study: The Canadian Open Genetics Repository (COGR). Not counted in ClinVar's aggregate classification.

Literature cited by the submitters: PubMed 20104584 (cited by Labcorp Genetics (formerly Invitae), Labcorp); PubMed 29446198 (cited by Labcorp Genetics (formerly Invitae), Labcorp).

NM_007294.4(BRCA1):c.4806del (p.Gln1604fs)

Gene: BRCA1 (BRCA1 DNA repair associated; minus strand). Cytogenetic location: 17q21.31.
Variant type: Deletion.
Coding change: c.4806del on transcript NM_007294.4 (MANE Select); coding-DNA position 4806, one base deleted (T; older notation c.4806delT).
Protein change: p.Gln1604fs; shifts the reading frame from glutamine 1604.
Molecular consequence: frameshift variant. On other transcripts: non-coding transcript variant (1).
Genome position (GRCh38, 1-based): chr17:43,071,108, A deleted on the plus strand (T on the coding strand, the reverse complement: BRCA1 is on the minus strand); the first of 2 consecutive A bases (chr17:43,071,108-43,071,109); deleting either gives the same sequence. VCF-style (leftmost placement, unchanged base first): chr17-43071107-GA-G. GRCh37 (hg19) VCF-style: chr17-41223124-GA-G.
Other names: c.4806delT (NM_007294.3); c.1229delT, p.Gln412Asnfs (NM_001408503.1, NM_001408504.1, NM_001408502.1); c.1226delT, p.Gln411Asnfs (NM_001408505.1); c.1169delT, p.Gln392Asnfs (NM_001408506.1); c.1166delT, p.Gln391Asnfs (NM_001408507.1); c.1157delT, p.Gln388Asnfs (NM_001408508.1); c.1154delT, p.Gln387Asnfs (NM_001408509.1); c.1115delT, p.Gln374Asnfs (NM_001408510.1); and 74 more; short protein forms Q1625fs, Q1557fs, Q500fs, Q1604fs.
Identifiers: ClinVar variation 254457 (VCV000254457.17), dbSNP rs886038036, ClinGen allele CA10586607.